The following is an entry in ClinVar:

ClinVar aggregate classification (germline): Uncertain significance (1 of 4 stars; one submission).

Conditions:
PLXNA3-related disorder. Also called: PLXNA3-related condition.

Submission:

PreventionGenetics, part of Exact Sciences
Classification: Uncertain significance for PLXNA3-related condition. Last evaluated: 2025-10-15. Review status: criteria provided, single submitter. Criteria: ACMG Guidelines, 2015. Collection method: clinical testing. Allele origin: germline.
Comment: The PLXNA3 c.184G>A variant is predicted to result in the amino acid substitution p.Glu62Lys. To our knowledge, this variant has not been reported in the literature. This variant is reported in 0.0079% of alleles in individuals of European (Non-Finnish) descent in gnomAD. At this time, the clinical significance of this variant is uncertain due to the absence of conclusive functional and genetic evidence.

NM_017514.5(PLXNA3):c.184G>A (p.Glu62Lys)

Gene: PLXNA3 (plexin A3; plus strand). Cytogenetic location: Xq28.
Variant type: single nucleotide variant.
Coding change: c.184G>A on transcript NM_017514.5 (MANE Select); coding-DNA position 184, G replaced by A.
Protein change: p.Glu62Lys; replaces glutamic acid 62 with lysine.
Molecular consequence: missense variant.
Genome position (GRCh38, 1-based): chrX:154,460,367, G>A. VCF-style: chrX-154460367-G-A. GRCh37 (hg19) VCF-style: chrX-153688707-G-A.
Other names: short protein forms E62K.
Identifiers: ClinVar variation 4989286 (VCV004989286.1).
Genomic context (GRCh38, chrX:154,460,367, plus strand): 5'-ACTGGGGAGGTGTTCGTGGGCGCAGTGAACCGAGTCTTTAAGCTGGCCCCCAACCTGACT[G>A]AGCTGCGGGCCCATGTCACGGGGCCCGTCGAGGACAACGCTCGCTGCTACCCGCCCCCCA-3'
Protein context (NP_059984.3, residues 52-72): RVFKLAPNLT[Glu62Lys]LRAHVTGPVE